The following is an entry in ClinVar:

NM_000214.3(JAG1):c.806C>T (p.Pro269Leu)

Gene: JAG1 (jagged canonical Notch ligand 1; minus strand). Cytogenetic location: 20p12.2.
Variant type: single nucleotide variant.
Coding change: c.806C>T on transcript NM_000214.3 (MANE Select); coding-DNA position 806, C replaced by T.
Protein change: p.Pro269Leu; replaces proline 269 with leucine.
Molecular consequence: missense variant.
Genome position (GRCh38, 1-based): chr20:10,652,548, G>A on the plus strand (C>T on the coding strand, the complement: JAG1 is on the minus strand). VCF-style: chr20-10652548-G-A. GRCh37 (hg19) VCF-style: chr20-10633196-G-A.
Other names: c.806C>T, p.Pro269Leu (LRG_1191t1); short protein forms P269L.
Identifiers: ClinVar variation 208787 (VCV000208787.10), dbSNP rs797044956, ClinGen allele CA204910.

ClinVar aggregate classification (germline): Conflicting classifications of pathogenicity. Review status: criteria provided, conflicting classifications (1 of 4 stars). 3 submissions from 3 submitters: Likely pathogenic (1); Uncertain significance (2). Last evaluated 2026-03-26.

Conditions:
Cardiovascular phenotype. Identifiers: MedGen CN230736.
Alagille syndrome due to a JAG1 point mutation. Also called: JAG1-Related Alagille Syndrome; Alagille Syndrome 1; HEPATIC DUCTULAR HYPOPLASIA, SYNDROMATIC. Identifiers: Orphanet 261619, Orphanet 52, MedGen C1956125, MONDO:0016862, OMIM 118450.

Allele frequency attached by ClinVar (database versions not stated): gnomAD exomes below 0.00001; TOPMed below 0.00001.

Submissions (3):

Ambry Genetics
Classification: Uncertain significance for Cardiovascular phenotype. Last evaluated: 2026-03-26. Review status: criteria provided, single submitter. Criteria: Ambry Variant Classification Scheme 2023. Collection method: clinical testing. Allele origin: germline.
Comment: The c.806C>T (p.P269L) alteration is located in exon 6 (coding exon 6) of the JAG1 gene. This alteration results from a C to T substitution at nucleotide position 806, causing the proline (P) at amino acid position 269 to be replaced by a leucine (L). This variant was not reported in population-based cohorts in the Genome Aggregation Database (gnomAD). This variant was reported in individual(s) with features consistent with Alagille syndrome (R&ouml;pke, 2002). This amino acid position is highly conserved in available vertebrate species. This missense variant is located in a region that has a low rate of benign missense variation (Lek, 2016; Firth, 2009). This alteration is predicted to be deleterious by in silico analysis. Based on insufficient or conflicting evidence, the clinical significance of this alteration remains unclear.

Labcorp Genetics (formerly Invitae), Labcorp
Classification: Likely pathogenic for Alagille syndrome due to a JAG1 point mutation. Last evaluated: 2024-12-17. Review status: criteria provided, single submitter. Criteria: Invitae Variant Classification Sherloc (09022015). Collection method: clinical testing. Allele origin: germline.
Comment: This sequence change replaces proline, which is neutral and non-polar, with leucine, which is neutral and non-polar, at codon 269 of the JAG1 protein (p.Pro269Leu). This variant is not present in population databases (gnomAD no frequency). This missense change has been observed in individual(s) with Alagille syndrome (PMID: 12497640). ClinVar contains an entry for this variant (Variation ID: 208787). Invitae Evidence Modeling of protein sequence and biophysical properties (such as structural, functional, and spatial information, amino acid conservation, physicochemical variation, residue mobility, and thermodynamic stability) indicates that this missense variant is expected to disrupt JAG1 protein function with a positive predictive value of 95%. In summary, the currently available evidence indicates that the variant is pathogenic, but additional data are needed to prove that conclusively. Therefore, this variant has been classified as Likely Pathogenic.

Blueprint Genetics
Classification: Uncertain significance. Last evaluated: 2021-02-02. Review status: criteria provided, single submitter. Criteria: ACMG Guidelines, 2015. Collection method: clinical testing. Allele origin: germline.

Literature cited by the submitters: PubMed 12497640 (cited by Labcorp Genetics (formerly Invitae), Labcorp).